The following is an entry in ClinVar:

NM_016111.4(TELO2):c.1666C>T (p.Leu556=)

Gene: TELO2 (telomere maintenance 2; plus strand). Cytogenetic location: 16p13.3.
Variant type: single nucleotide variant.
Coding change: c.1666C>T on transcript NM_016111.4 (MANE Select); coding-DNA position 1666, C replaced by T.
Protein change: p.Leu556=; no amino-acid change (leucine 556 retained).
Molecular consequence: synonymous variant.
Genome position (GRCh38, 1-based): chr16:1,502,657, C>T. VCF-style: chr16-1502657-C-T. GRCh37 (hg19) VCF-style: chr16-1552658-C-T.
Other names: c.1666C>T, p.Leu556= (NM_001351846.2).
Identifiers: ClinVar variation 2645903 (VCV002645903.24), dbSNP rs769892759, ClinGen allele CA7812275.
Genomic context (GRCh38, chr16:1,502,657, plus strand): 5'-CGGGCAGCTGGGTCCGACAGGTTTCCCAGCCCTAACCCCTGCGTGCAGGTGAGCGTGGAG[C>T]TGGCCAAGGTGCTTCTGCATCTGGAGGAGAAGACCTGTGTGGTGGGATTTGCAGGGCTGC-3'
Protein context (NP_057195.2, residues 546-566): PTATREVSVE[Leu556=]AKVLLHLEEK

ClinVar aggregate classification (germline): Likely benign (1 of 4 stars; one submission).

Allele frequency attached by ClinVar (database versions not stated): TOPMed below 0.00001; ExAC 0.00001; gnomAD 0.00001.
gnomAD v4.1: 4 of 1,611,752 alleles (0.00025%); highest among the groups gnomAD compares: Non-Finnish European, 0.00034%; no homozygotes.

Submission:

CeGaT Center for Human Genetics Tuebingen
Classification: Likely benign. Last evaluated: 2023-10-01. Review status: criteria provided, single submitter. Criteria: CeGaT Center For Human Genetics Tuebingen Variant Classification Criteria Version 2. Collection method: clinical testing. Allele origin: germline. Affected: yes. Observed: 1 variant allele.
Comment: TELO2: BP4, BP7